The following is an entry in ClinVar:

ClinVar aggregate classification (germline): Likely pathogenic (1 of 4 stars; one submission).

Conditions:
Hereditary diffuse gastric adenocarcinoma (HDGC). Also called: DIFFUSE GASTRIC AND LOBULAR BREAST CANCER SYNDROME. Identifiers: Orphanet 26106, MedGen C1708349, MONDO:0007648, OMIM 137215.

Submission:

Myriad Genetics, Inc.
Classification: Likely pathogenic for Hereditary diffuse gastric adenocarcinoma. Last evaluated: 2023-06-15. Review status: criteria provided, single submitter. Criteria: Myriad Autosomal Dominant, Autosomal Recessive and X-Linked Classification Criteria (2023). Collection method: clinical testing. Allele origin: unknown.
Comment: This variant is considered likely pathogenic. This variant occurs within a consensus splice junction and is predicted to result in abnormal mRNA splicing of either an out-of-frame exon or an in-frame exon necessary for protein stability and/or normal function.

NM_004360.5(CDH1):c.2164+1_2164+2del

Gene: CDH1 (cadherin 1; plus strand). Cytogenetic location: 16q22.1.
Variant type: Deletion.
Coding change: c.2164+1_2164+2del on transcript NM_004360.5 (MANE Select); the canonical splice donor site of the intron after coding-DNA position 2164, 2 bases deleted (GT; older notation c.2164+1_2164+2delGT).
Molecular consequence: splice donor variant.
Genome position (GRCh38, 1-based): chr16:68,823,627-68,823,628, GT deleted. VCF-style (leftmost placement, unchanged base first): chr16-68823626-AGT-A. GRCh37 (hg19) VCF-style: chr16-68857529-AGT-A.
Other names: c.616+1_616+2del (NM_001317185.2); c.199+1_199+2del (NM_001317186.2); c.1981+1_1981+2del (NM_001317184.2).
Identifiers: ClinVar variation 2583581 (VCV002583581.2), dbSNP rs2543946414, ClinGen allele CA2582342538.
Genomic context (GRCh38, chr16:68,823,626, plus strand): 5'-GAAGCAGGATTGCAAATTCCTGCCATTCTGGGGATTCTTGGAGGAATTCTTGCTTTGCTA[AGT>A]AAGTCCAGCTGGCAAGTGACTCAGCCTTTGACTTAAAAAAATGGAGGAGGTTTATTTCCT-3'